The following is an entry in ClinVar:

ClinVar aggregate classification (germline): Uncertain significance (1 of 4 stars; one submission).

Conditions:
Inborn genetic diseases. Identifiers: MedGen C0950123, MeSH D030342.

Submission:

Ambry Genetics
Classification: Uncertain significance for Inborn genetic diseases. Last evaluated: 2026-05-04. Review status: criteria provided, single submitter. Criteria: Ambry Variant Classification Scheme 2023. Collection method: clinical testing. Allele origin: germline.
Comment: The p.I531F variant (also known as c.1591A>T), located in coding exon 7 of the MBD4 gene, results from an A to T substitution at nucleotide position 1591. The isoleucine at codon 531 is replaced by phenylalanine, an amino acid with highly similar properties. This amino acid position is conserved. In addition, this alteration is predicted to be deleterious by in silico analysis. Based on the available evidence, the clinical significance of this variant remains unclear.

NM_001276270.2(MBD4):c.1591A>T (p.Ile531Phe)

Gene: MBD4 (methyl-CpG binding domain 4, DNA glycosylase; minus strand). Cytogenetic location: 3q21.3.
Variant type: single nucleotide variant.
Coding change: c.1591A>T on transcript NM_001276270.2 (MANE Select); coding-DNA position 1591, A replaced by T.
Protein change: p.Ile531Phe; replaces isoleucine 531 with phenylalanine.
Molecular consequence: missense variant.
Genome position (GRCh38, 1-based): chr3:129,432,559, T>A on the plus strand (A>T on the coding strand, the complement: MBD4 is on the minus strand). VCF-style: chr3-129432559-T-A. GRCh37 (hg19) VCF-style: chr3-129151402-T-A.
Other names: c.1609A>T, p.Ile537Phe (NM_001276271.2, NM_001276272.2, NM_003925.3); c.655A>T, p.Ile219Phe (NM_001276273.2); short protein forms I219F, I531F, I537F.
Identifiers: ClinVar variation 4859598 (VCV004859598.1).